The following is an entry in ClinVar:

ClinVar aggregate classification (germline): Benign (0 of 4 stars; one submission).

Conditions:
DCHS2-related disorder. Also called: DCHS2-related condition.

Allele frequency attached by ClinVar (database versions not stated): gnomAD exomes 0.00072; ExAC 0.00213; gnomAD 0.00722; 1000 Genomes Project 0.00779; ESP Exome Variant Server 0.00853; TOPMed 0.00868; 1000 Genomes Project 30x 0.00968.
gnomAD v4.1: 2,208 of 1,614,146 alleles (0.14%); highest among the groups gnomAD compares: African/African-American, 2.5%; 26 homozygotes.

Submission:

PreventionGenetics, part of Exact Sciences
Classification: Benign for DCHS2-related condition. Last evaluated: 2019-08-14. Review status: no assertion criteria provided. Collection method: clinical testing. Allele origin: germline.
Comment: This variant is classified as benign based on ACMG/AMP sequence variant interpretation guidelines (Richards et al. 2015 PMID: 25741868, with internal and published modifications).

NM_001358235.2(DCHS2):c.2837T>C (p.Val946Ala)

Gene: DCHS2 (dachsous cadherin-related 2; minus strand). Cytogenetic location: 4q31.3.
Variant type: single nucleotide variant.
Coding change: c.2837T>C on transcript NM_001358235.2 (MANE Select); coding-DNA position 2837, T replaced by C.
Protein change: p.Val946Ala; replaces valine 946 with alanine.
Molecular consequence: missense variant.
Genome position (GRCh38, 1-based): chr4:154,333,371, A>G on the plus strand (T>C on the coding strand, the complement: DCHS2 is on the minus strand). VCF-style: chr4-154333371-A-G. GRCh37 (hg19) VCF-style: chr4-155254523-A-G.
Other names: c.2837T>C, p.Val946Ala (NM_001142552.2, NM_001412223.1); short protein forms V946A.
Identifiers: ClinVar variation 3034641 (VCV003034641.2), dbSNP rs112889386, ClinGen allele CA3113340.
Genomic context (GRCh38, chr4:154,333,371, plus strand): 5'-TTGACCTCGGTGCTGCTGCAGGCTGGGGCGCTGCCGAGCTGCGCCTGCACCGTGAGCACA[A>G]CCACGGGCTGCGTCTCGTGATCCAGGGGCTTCCGGGTGCGAATAGTGCCCAGCCGCGGGT-3'
Protein context (NP_001345164.1, residues 936-956): KPLDHETQPV[Val946Ala]VLTVQAQLGS